The following is an entry in ClinVar:

ClinVar aggregate classification (germline): Uncertain significance (1 of 4 stars; one submission).

Submission:

Labcorp Genetics (formerly Invitae), Labcorp
Classification: Uncertain significance. Last evaluated: 2021-05-05. Review status: criteria provided, single submitter. Criteria: Invitae Variant Classification Sherloc (09022015). Collection method: clinical testing. Allele origin: germline.
Comment: This sequence change replaces aspartic acid with histidine at codon 95 of the COL7A1 protein (p.Asp95His). The aspartic acid residue is weakly conserved and there is a moderate physicochemical difference between aspartic acid and histidine. This variant is not present in population databases (ExAC no frequency). This variant has not been reported in the literature in individuals with COL7A1-related conditions. Advanced modeling of protein sequence and biophysical properties (such as structural, functional, and spatial information, amino acid conservation, physicochemical variation, residue mobility, and thermodynamic stability) performed at Invitae indicates that this missense variant is not expected to disrupt COL7A1 protein function. In summary, the available evidence is currently insufficient to determine the role of this variant in disease. Therefore, it has been classified as a Variant of Uncertain Significance.

NM_000094.4(COL7A1):c.283G>C (p.Asp95His)

Gene: COL7A1 (collagen type VII alpha 1 chain; minus strand). Cytogenetic location: 3p21.31.
Variant type: single nucleotide variant.
Coding change: c.283G>C on transcript NM_000094.4 (MANE Select); coding-DNA position 283, G replaced by C.
Protein change: p.Asp95His; replaces aspartic acid 95 with histidine.
Molecular consequence: missense variant.
Genome position (GRCh38, 1-based): chr3:48,593,680, C>G on the plus strand (G>C on the coding strand, the complement: COL7A1 is on the minus strand). VCF-style: chr3-48593680-C-G. GRCh37 (hg19) VCF-style: chr3-48631113-C-G.
Other names: short protein forms D95H.
Identifiers: ClinVar variation 1948313 (VCV001948313.2), dbSNP rs2045870877, ClinGen allele CA352748884.